The following is an entry in ClinVar:

ClinVar aggregate classification (germline): Uncertain significance (1 of 4 stars; one submission).

Submission:

CeGaT Center for Human Genetics Tuebingen
Classification: Uncertain significance. Last evaluated: 2026-03-01. Review status: criteria provided, single submitter. Criteria: CeGaT Center For Human Genetics Tuebingen Variant Classification Criteria Version 2. Collection method: clinical testing. Allele origin: germline. Affected: yes. Observed: 1 variant allele.
Comment: FBN1: PM2

NM_000138.5(FBN1):c.6743A>G (p.Glu2248Gly)

Gene: FBN1 (fibrillin 1; minus strand). Cytogenetic location: 15q21.1.
Variant type: single nucleotide variant.
Coding change: c.6743A>G on transcript NM_000138.5 (MANE Select); coding-DNA position 6743, A replaced by G.
Protein change: p.Glu2248Gly; replaces glutamic acid 2248 with glycine.
Molecular consequence: missense variant.
Genome position (GRCh38, 1-based): chr15:48,430,799, T>C on the plus strand (A>G on the coding strand, the complement: FBN1 is on the minus strand). VCF-style: chr15-48430799-T-C. GRCh37 (hg19) VCF-style: chr15-48722996-T-C.
Other names: c.6743A>G, p.Glu2248Gly (NM_001406716.1); short protein forms E2248G.
Identifiers: ClinVar variation 4822288 (VCV004822288.4).